The following is an entry in ClinVar:

ClinVar aggregate classification (germline): Uncertain significance (1 of 4 stars; one submission).

Submission:

Ambry Genetics
Classification: Uncertain significance. Last evaluated: 2022-10-07. Review status: criteria provided, single submitter. Criteria: Ambry Variant Classification Scheme 2023. Collection method: clinical testing. Allele origin: germline.
Comment: The p.D1067H variant (also known as c.3199G>C), located in coding exon 17 of the NPAT gene, results from a G to C substitution at nucleotide position 3199. The aspartic acid at codon 1067 is replaced by histidine, an amino acid with similar properties. This amino acid position is conserved. In addition, the in silico prediction for this alteration is inconclusive. Since supporting evidence is limited at this time, the clinical significance of this alteration remains unclear.

NM_002519.3(NPAT):c.3199G>C (p.Asp1067His)

Gene: NPAT (nuclear protein, coactivator of histone transcription; minus strand). Cytogenetic location: 11q22.3.
Variant type: single nucleotide variant.
Coding change: c.3199G>C on transcript NM_002519.3 (MANE Select); coding-DNA position 3199, G replaced by C.
Protein change: p.Asp1067His; replaces aspartic acid 1067 with histidine.
Molecular consequence: missense variant.
Genome position (GRCh38, 1-based): chr11:108,161,887, C>G on the plus strand (G>C on the coding strand, the complement: NPAT is on the minus strand). VCF-style: chr11-108161887-C-G. GRCh37 (hg19) VCF-style: chr11-108032614-C-G.
Other names: c.3220G>C, p.Asp1074His (NM_001321307.1); short protein forms D1067H, D1074H.
Identifiers: ClinVar variation 1728752 (VCV001728752.2), dbSNP rs79119325, ClinGen allele CA382511325.